The following is an entry in ClinVar:

ClinVar aggregate classification (germline): Uncertain significance (1 of 4 stars; one submission).

gnomAD v4.1: 1 of 1,614,174 alleles (0.000062%); highest among the groups gnomAD compares: Non-Finnish European, 0.000085%; no homozygotes.

Submission:

GeneDx
Classification: Uncertain significance. Last evaluated: 2025-03-12. Review status: criteria provided, single submitter. Criteria: GeneDx Variant Classification Process June 2021. Collection method: clinical testing. Allele origin: germline. Affected: yes.
Comment: Not observed at significant frequency in large population cohorts (gnomAD); In silico analysis indicates that this missense variant does not alter protein structure/function; Has not been previously published as pathogenic or benign to our knowledge

NM_004519.4(KCNQ3):c.2281C>A (p.His761Asn)

Gene: KCNQ3 (potassium voltage-gated channel subfamily Q member 3; minus strand). Cytogenetic location: 8q24.22.
Variant type: single nucleotide variant.
Coding change: c.2281C>A on transcript NM_004519.4 (MANE Select); coding-DNA position 2281, C replaced by A.
Protein change: p.His761Asn; replaces histidine 761 with asparagine.
Molecular consequence: missense variant.
Genome position (GRCh38, 1-based): chr8:132,129,600, G>T on the plus strand (C>A on the coding strand, the complement: KCNQ3 is on the minus strand). VCF-style: chr8-132129600-G-T. GRCh37 (hg19) VCF-style: chr8-133141847-G-T.
Other names: c.1921C>A, p.His641Asn (NM_001204824.2); short protein forms H641N, H761N.
Identifiers: ClinVar variation 4082580 (VCV004082580.1).